The following is an entry in ClinVar:

NM_001365951.3(KIF1B):c.5152T>G (p.Trp1718Gly)

Gene: KIF1B (kinesin family member 1B; plus strand). Cytogenetic location: 1p36.22.
Variant type: single nucleotide variant.
Coding change: c.5152T>G on transcript NM_001365951.3 (MANE Select); coding-DNA position 5152, T replaced by G.
Protein change: p.Trp1718Gly; replaces tryptophan 1718 with glycine.
Molecular consequence: missense variant.
Genome position (GRCh38, 1-based): chr1:10,374,909, T>G. VCF-style: chr1-10374909-T-G. GRCh37 (hg19) VCF-style: chr1-10434967-T-G.
Other names: c.5152T>G, p.Trp1718Gly (NM_001365952.1); c.5014T>G, p.Trp1672Gly (NM_015074.3); short protein forms W1672G, W1718G.
Identifiers: ClinVar variation 3288388 (VCV003288388.1).

ClinVar aggregate classification (germline): Uncertain significance (1 of 4 stars; one submission).

Submission:

Ambry Genetics
Classification: Uncertain significance. Last evaluated: 2024-03-27. Review status: criteria provided, single submitter. Criteria: Ambry Variant Classification Scheme 2023. Collection method: clinical testing. Allele origin: germline.
Comment: The p.W1672G variant (also known as c.5014T>G), located in coding exon 44 of the KIF1B gene, results from a T to G substitution at nucleotide position 5014. The tryptophan at codon 1672 is replaced by glycine, an amino acid with highly dissimilar properties. This amino acid position is conserved. In addition, this alteration is predicted to be deleterious by in silico analysis. Based on the available evidence, the clinical significance of this alteration remains unclear.